The following is an entry in ClinVar:

ClinVar aggregate classification (germline): Uncertain significance. Review status: criteria provided, multiple submitters, no conflicts (2 of 4 stars). 8 submissions from 8 submitters: Uncertain significance (8). Last evaluated 2026-07-20.

Conditions:
PLEC-related disorder. Also called: PLEC-related disorders; PLEC-related condition.
Autosomal recessive limb-girdle muscular dystrophy type 2Q (LGMDR17). Also called: MUSCULAR DYSTROPHY, LIMB-GIRDLE, AUTOSOMAL RECESSIVE 17. Identifiers: Orphanet 254361, MedGen C3150989, MONDO:0013390, OMIM 613723.
Epidermolysis bullosa simplex with nail dystrophy (EBS5D). Identifiers: MedGen C4225309, MONDO:0014661, OMIM 616487.
Epidermolysis bullosa simplex 5C, with pyloric atresia (EBS5C). Also called: PLEC-Related Epidermolysis Bullosa with Pyloric Atresia; Epidermolysis bullosa simplex with pyloric atresia; PLEC1-Related Epidermolysis Bullosa with Pyloric Atresia. Identifiers: Orphanet 158684, MedGen C2677349, MONDO:0012807, OMIM 612138.
Epidermolysis bullosa simplex, Ogna type (EBS5A). Also called: Pidermolysis bullosa simplex 5A, Ogna type; EPIDERMOLYSIS BULLOSA SIMPLEX 5A, OGNA TYPE. Identifiers: Orphanet 79401, MedGen C0432317, MONDO:0007555, OMIM 131950.
Epidermolysis bullosa simplex 5B, with muscular dystrophy (EBS5B). Also called: EPIDERMOLYSIS BULLOSA SIMPLEX AND LIMB-GIRDLE MUSCULAR DYSTROPHY; Epidermolysis bullosa simplex with muscular dystrophy. Identifiers: Orphanet 257, MedGen C2931072, MONDO:0009181, OMIM 226670.
Junctional epidermolysis bullosa with pyloric atresia. Also called: EPIDERMOLYSIS BULLOSA, JUNCTIONAL 5B, WITH PYLORIC ATRESIA; Junctional Epidermolysis Bullosa- Pyloric Atresia Syndrome; APLASIA CUTIS CONGENITA WITH GASTROINTESTINAL ATRESIA; CARMI SYNDROME; EB-PA-ACC; ITGB4-Related Epidermolysis Bullosa with Pyloric Atresia. Identifiers: Orphanet 79403, MedGen C5676875, MONDO:0009183, OMIM 226730.

Allele frequency attached by ClinVar (database versions not stated): gnomAD exomes 0.00005 and 0.00006; ExAC 0.00007; gnomAD 0.00025; 1000 Genomes Project 30x 0.00062; TOPMed 0.00070; 1000 Genomes Project 0.00080.
gnomAD v4.1: 122 of 1,590,826 alleles (0.0077%); highest among the groups gnomAD compares: Admixed American, 0.11%; 2 homozygotes.

Submissions (8):

PreventionGenetics, part of Exact Sciences
Classification: Uncertain significance for PLEC-related condition. Last evaluated: 2026-07-20. Review status: criteria provided, single submitter. Criteria: ACMG Guidelines, 2015. Collection method: clinical testing. Allele origin: germline.
Comment: The PLEC c.1519C>T variant is predicted to result in the amino acid substitution p.Arg507Cys. To our knowledge, this variant has not been reported in the literature. This variant is reported in 0.029% of alleles in individuals of Latino descent in gnomAD. At this time, the clinical significance of this variant is uncertain due to the absence of conclusive functional and genetic evidence.

Labcorp Genetics (formerly Invitae), Labcorp
Classification: Uncertain significance for Autosomal recessive limb-girdle muscular dystrophy type 2Q; Epidermolysis bullosa simplex, Ogna type; Epidermolysis bullosa simplex with nail dystrophy; Epidermolysis bullosa simplex 5C, with pyloric atresia; Epidermolysis bullosa simplex 5B, with muscular dystrophy. Last evaluated: 2025-10-01. Review status: criteria provided, single submitter. Criteria: Invitae Variant Classification Sherloc (09022015). Collection method: clinical testing. Allele origin: germline.
Comment: This sequence change replaces arginine, which is basic and polar, with cysteine, which is neutral and slightly polar, at codon 507 of the PLEC protein (p.Arg507Cys). This variant is present in population databases (rs202172091, gnomAD 0.03%). This variant has not been reported in the literature in individuals affected with PLEC-related conditions. ClinVar contains an entry for this variant (Variation ID: 471546). Experimental studies and prediction algorithms are not available or were not evaluated, and the functional significance of this variant is currently unknown. In summary, the available evidence is currently insufficient to determine the role of this variant in disease. Therefore, it has been classified as a Variant of Uncertain Significance.

Blueprint Genetics
Classification: Uncertain significance. Last evaluated: 2024-09-23. Review status: criteria provided, single submitter. Criteria: ACMG Guidelines, 2015. Collection method: clinical testing. Allele origin: germline.

GeneDx
Classification: Uncertain significance. Last evaluated: 2023-06-16. Review status: criteria provided, single submitter. Criteria: GeneDx Variant Classification Process June 2021. Collection method: clinical testing. Allele origin: germline. Affected: yes.
Comment: In silico analysis supports that this missense variant has a deleterious effect on protein structure/function; Missense variant in a gene in which most reported pathogenic variants are truncating/loss of function; Has not been previously published as pathogenic or benign to our knowledge

Revvity Omics, Revvity
Classification: Uncertain significance. Last evaluated: 2021-03-29. Review status: criteria provided, single submitter. Criteria: ACMG Guidelines, 2015. Collection method: clinical testing. Allele origin: germline.

Athena Diagnostics
Classification: Uncertain significance. Last evaluated: 2020-07-28. Review status: criteria provided, single submitter. Criteria: Athena Diagnostics Criteria. Collection method: clinical testing. Allele origin: unknown.

Fulgent Genetics
Classification: Uncertain significance for Epidermolysis bullosa simplex, Ogna type; Epidermolysis bullosa simplex 5B, with muscular dystrophy; Junctional epidermolysis bullosa with pyloric atresia; Epidermolysis bullosa simplex 5C, with pyloric atresia; Autosomal recessive limb-girdle muscular dystrophy type 2Q; Epidermolysis bullosa simplex with nail dystrophy. Last evaluated: 2018-10-31. Review status: criteria provided, single submitter. Criteria: ACMG Guidelines, 2015. Collection method: clinical testing. Allele origin: unknown.

Eurofins Ntd Llc (ga)
Classification: Uncertain significance. Last evaluated: 2017-02-27. Review status: criteria provided, single submitter. Criteria: EGL Classification Definitions 2015. Collection method: clinical testing. Allele origin: germline. Observed: 4 variant alleles, 4 heterozygotes.

NM_201384.3(PLEC):c.1438C>T (p.Arg480Cys)

Gene: PLEC (plectin; minus strand). Cytogenetic location: 8q24.3.
Variant type: single nucleotide variant.
Coding change: c.1438C>T on transcript NM_201384.3 (MANE Select); coding-DNA position 1438, C replaced by T.
Protein change: p.Arg480Cys; replaces arginine 480 with cysteine.
Molecular consequence: missense variant.
Genome position (GRCh38, 1-based): chr8:143,933,092, G>A on the plus strand (C>T on the coding strand, the complement: PLEC is on the minus strand). VCF-style: chr8-143933092-G-A. GRCh37 (hg19) VCF-style: chr8-145007260-G-A.
Other names: c.1519C>T, p.Arg507Cys (NM_000445.5); c.1396C>T, p.Arg466Cys (NM_201378.4); c.1372C>T, p.Arg458Cys (NM_201379.3); c.1849C>T, p.Arg617Cys (NM_201380.4); c.1342C>T, p.Arg448Cys (NM_201381.3); c.1438C>T, p.Arg480Cys (NM_201382.4); c.1450C>T, p.Arg484Cys (NM_201383.3); short protein forms R458C, R466C, R480C, R507C, R617C, R448C, R484C.
Identifiers: ClinVar variation 471546 (VCV000471546.19), dbSNP rs202172091, ClinGen allele CA4927954.